The following is an entry in ClinVar:

ClinVar aggregate classification (germline): not provided (0 of 4 stars; one submission).

Allele frequency attached by ClinVar (database versions not stated): TOPMed below 0.00001; gnomAD exomes 0.00001; ExAC 0.00002.

Submission:

ITMI
No classification provided. Condition: AllHighlyPenetrant. Last evaluated: 2013-09-19. Review status: no classification provided. Collection method: reference population. Allele origin: germline.
Comment: Please see associated publication for description of ethnicities

Literature cited by the submitters: PubMed 24728327.

NM_022725.4(FANCF):c.256C>T (p.Leu86Phe)

Gene: FANCF (FA complementation group F; minus strand). Cytogenetic location: 11p14.3.
Variant type: single nucleotide variant.
Coding change: c.256C>T on transcript NM_022725.4 (MANE Select); coding-DNA position 256, C replaced by T.
Protein change: p.Leu86Phe; replaces leucine 86 with phenylalanine.
Molecular consequence: missense variant.
Genome position (GRCh38, 1-based): chr11:22,625,555, G>A on the plus strand (C>T on the coding strand, the complement: FANCF is on the minus strand). VCF-style: chr11-22625555-G-A. GRCh37 (hg19) VCF-style: chr11-22647101-G-A.
Other names: short protein forms L86F.
Identifiers: ClinVar variation 134347 (VCV000134347.1), dbSNP rs587778341, ClinGen allele CA159563.
Genomic context (GRCh38, chr11:22,625,555, plus strand): 5'-CATCCCCGAGGGCCCGGTTCTCCAGCAGGCGCAGAGAGAGCAGGACGTCACAGTGACCGA[G>A]GGCCTGGAAGTTCGCTAATCCCGGAACTGGACCCCGCCCAAAGCCGCCCTCTTGCCTCCA-3'
Protein context (NP_073562.1, residues 76-96): PVPGLANFQA[Leu86Phe]GHCDVLLSLR